The following is an entry in ClinVar:

NM_004947.5(DOCK3):c.5013G>A (p.Met1671Ile)

Gene: DOCK3 (dedicator of cytokinesis 3; plus strand). Cytogenetic location: 3p21.2.
Variant type: single nucleotide variant.
Coding change: c.5013G>A on transcript NM_004947.5 (MANE Select); coding-DNA position 5013, G replaced by A.
Protein change: p.Met1671Ile; replaces methionine 1671 with isoleucine.
Molecular consequence: missense variant.
Genome position (GRCh38, 1-based): chr3:51,361,865, G>A. VCF-style: chr3-51361865-G-A. GRCh37 (hg19) VCF-style: chr3-51399296-G-A.
Other names: short protein forms M1671I.
Identifiers: ClinVar variation 4820880 (VCV004820880.4).

ClinVar aggregate classification (germline): Likely benign (1 of 4 stars; one submission).

Submission:

CeGaT Center for Human Genetics Tuebingen
Classification: Likely benign. Last evaluated: 2026-02-01. Review status: criteria provided, single submitter. Criteria: CeGaT Center For Human Genetics Tuebingen Variant Classification Criteria Version 2. Collection method: clinical testing. Allele origin: germline. Affected: yes. Observed: 1 variant allele.
Comment: DOCK3: BP4